The following is an entry in ClinVar:

ClinVar aggregate classification (germline): Likely pathogenic (1 of 4 stars; one submission).

Conditions:
Leukodystrophy, hypomyelinating, 6. Also called: LEUKODYSTROPHY, HYPOMYELINATING, WITH ATROPHY OF THE BASAL GANGLIA AND CEREBELLUM; Hypomyelination with Atrophy of Basal Ganglia and Cerebellum (H-ABC); TUBB4A-Associated Leukodystrophy. Identifiers: Orphanet 139441, MedGen C2676244, MONDO:0012905, OMIM 612438.

Submission:

Groupe Hospitalier Pitie Salpetriere, Uf Genomique Du Developpement, Assistance Publique Hopitaux de Paris Sorbonne Université
Classification: Likely pathogenic for Leukodystrophy, hypomyelinating, 6. Last evaluated: 2023-04-01. Review status: criteria provided, single submitter. Criteria: ACMG Guidelines, 2015. Collection method: clinical testing. Allele origin: germline. Affected: yes.
Comment: This variant is found de novo (PS2), absent or extremely rare in population databases (PM2_supp), a novel missense change at an amino acid residue where a different pathogenic missense change has been seen before (PM5) and multiple lines of computational evidence support a deleterious effect on the gene or gene product (PP3)

NM_006087.4(TUBB4A):c.937G>T (p.Val313Leu)

Gene: TUBB4A (tubulin beta 4A class IVa; minus strand). Cytogenetic location: 19p13.3.
Variant type: single nucleotide variant.
Coding change: c.937G>T on transcript NM_006087.4 (MANE Select); coding-DNA position 937, G replaced by T.
Protein change: p.Val313Leu; replaces valine 313 with leucine.
Molecular consequence: missense variant.
Genome position (GRCh38, 1-based): chr19:6,495,562, C>A on the plus strand (G>T on the coding strand, the complement: TUBB4A is on the minus strand). VCF-style: chr19-6495562-C-A. GRCh37 (hg19) VCF-style: chr19-6495573-C-A.
Other names: c.1090G>T, p.Val364Leu (NM_001289123.2); c.1072G>T, p.Val358Leu (NM_001289127.2); c.937G>T, p.Val313Leu (NM_001289129.2); c.721G>T, p.Val241Leu (NM_001289130.2, NM_001289131.2); short protein forms V241L, V313L, V358L, V364L.
Identifiers: ClinVar variation 4813348 (VCV004813348.1).